The following is an entry in ClinVar:

NM_000051.4(ATM):c.821C>G (p.Ser274Cys)

Gene: ATM (ATM serine/threonine kinase; plus strand). Cytogenetic location: 11q22.3.
Variant type: single nucleotide variant.
Coding change: c.821C>G on transcript NM_000051.4 (MANE Select); coding-DNA position 821, C replaced by G.
Protein change: p.Ser274Cys; replaces serine 274 with cysteine.
Molecular consequence: missense variant.
Genome position (GRCh38, 1-based): chr11:108,244,946, C>G. VCF-style: chr11-108244946-C-G. GRCh37 (hg19) VCF-style: chr11-108115673-C-G.
Other names: c.821C>G, p.Ser274Cys (NM_001351834.2); short protein forms S274C.
Identifiers: ClinVar variation 937434 (VCV000937434.10), dbSNP rs1591504377, ClinGen allele CA382529419.

ClinVar aggregate classification (germline): Uncertain significance. Review status: criteria provided, multiple submitters, no conflicts (2 of 4 stars). 2 submissions from 2 submitters: Uncertain significance (2). Last evaluated 2023-09-13.

Conditions:
Ataxia-telangiectasia syndrome (AT). Also called: Cerebello-oculocutaneous telangiectasia; Immunodeficiency with ataxia telangiectasia; LOUIS-BAR SYNDROME; AT, COMPLEMENTATION GROUP C; ATAXIA-TELANGIECTASIA, COMPLEMENTATION GROUP A; ATAXIA-TELANGIECTASIA, FRESNO VARIANT. Identifiers: Orphanet 100, MedGen C0004135, MONDO:0008840, OMIM 208900.
Familial cancer of breast. Also called: hereditary breast carcinoma; BREAST CANCER, FAMILIAL; Hereditary breast cancer. Identifiers: Orphanet 227535, MedGen C0346153, MONDO:0016419, OMIM 114480. Disease mechanism: loss of function.

Submissions (2):

Baylor Genetics
Classification: Uncertain significance for Familial cancer of breast. Last evaluated: 2023-09-13. Review status: criteria provided, single submitter. Criteria: ACMG Guidelines, 2015. Collection method: clinical testing. Allele origin: unknown.

Labcorp Genetics (formerly Invitae), Labcorp
Classification: Uncertain significance for Ataxia-telangiectasia syndrome. Last evaluated: 2019-09-21. Review status: criteria provided, single submitter. Criteria: Invitae Variant Classification Sherloc (09022015). Collection method: clinical testing. Allele origin: germline.
Comment: This sequence change replaces serine with cysteine at codon 274 of the ATM protein (p.Ser274Cys). The serine residue is moderately conserved and there is a moderate physicochemical difference between serine and cysteine. This variant is not present in population databases (ExAC no frequency). This variant has not been reported in the literature in individuals with ATM-related conditions. Algorithms developed to predict the effect of missense changes on protein structure and function (SIFT, PolyPhen-2, Align-GVGD) all suggest that this variant is likely to be tolerated, but these predictions have not been confirmed by published functional studies and their clinical significance is uncertain. In summary, the available evidence is currently insufficient to determine the role of this variant in disease. Therefore, it has been classified as a Variant of Uncertain Significance.